The following is an entry in ClinVar:

NM_007294.4(BRCA1):c.4920A>T (p.Thr1640=)

Gene: BRCA1 (BRCA1 DNA repair associated; minus strand). Cytogenetic location: 17q21.31.
Variant type: single nucleotide variant.
Coding change: c.4920A>T on transcript NM_007294.4 (MANE Select); coding-DNA position 4920, A replaced by T.
Protein change: p.Thr1640=; no amino-acid change (threonine 1640 retained).
Molecular consequence: synonymous variant. On other transcripts: intron variant (1).
Genome position (GRCh38, 1-based): chr17:43,070,994, T>A on the plus strand (A>T on the coding strand, the complement: BRCA1 is on the minus strand). VCF-style: chr17-43070994-T-A. GRCh37 (hg19) VCF-style: chr17-41223011-T-A.
Other names: c.1488A>T, p.Thr496= (NM_001408425.1, NM_001408426.1, NM_001408427.1 and 4 more transcripts); c.1485A>T, p.Thr495= (NM_001408432.1, NM_001408433.1, NM_001408434.1 and 10 more transcripts); c.1482A>T, p.Thr494= (NM_001408445.1, NM_001408446.1, NM_001408447.1 and 2 more transcripts); c.1476A>T, p.Thr492= (NM_001408451.1); c.1470A>T, p.Thr490= (NM_001408452.1, NM_001408453.1, NM_001408454.1 and 3 more transcripts); c.1467A>T, p.Thr489= (NM_001408458.1, NM_001408459.1, NM_001408460.1 and 7 more transcripts); c.1464A>T, p.Thr488= (NM_001408468.1, NM_001408469.1, NM_001408470.1); c.1608A>T, p.Thr536= (NM_001408472.1, NM_007298.4, NM_007299.4 and 13 more transcripts); and 71 more.
Identifiers: ClinVar variation 865687 (VCV000865687.5), dbSNP rs2052378025, ClinGen allele CA500231660.

ClinVar aggregate classification (germline): Likely benign (1 of 4 stars; one submission).

Conditions:
Hereditary breast ovarian cancer syndrome. Also called: Hereditary breast and/or ovarian cancer syndrome; BRCA1- and BRCA2-Associated Hereditary Breast and Ovarian Cancer; Hereditary breast and ovarian cancer syndrome; Hereditary breast and ovarian cancer; Hereditary breast and ovarian cancer syndrome (HBOC); Breast and ovarian cancer. Identifiers: Orphanet 145, MedGen C0677776, MeSH D061325, MONDO:0003582. Disease mechanism: loss of function.

Submissions (2):

Labcorp Genetics (formerly Invitae), Labcorp
Classification: Likely benign for Hereditary breast ovarian cancer syndrome. Last evaluated: 2024-11-26. Review status: criteria provided, single submitter. Criteria: Invitae Variant Classification Sherloc (09022015). Collection method: clinical testing. Allele origin: germline.

Brotman Baty Institute, University of Washington
No classification provided (evidence only). Condition: Breast-ovarian cancer, familial 1. Review status: no classification provided. Collection method: in vitro. Allele origin: not applicable. Functional consequence: functionally_normal. Not counted in ClinVar's aggregate classification.
ClinVar note: "not provided" was previously submitted as the classification for the variant. However, the classification appeared to be based only on an observation of functional data so it was converted to no classification on 2025-07-30.